The following is an entry in ClinVar:

ClinVar aggregate classification (germline): Uncertain significance (1 of 4 stars; one submission).

Allele frequency attached by ClinVar (database versions not stated): gnomAD exomes below 0.00001; ExAC 0.00001; TOPMed 0.00006; ESP Exome Variant Server 0.00008.
gnomAD v4.1: 8 of 1,613,496 alleles (0.0005%); highest among the groups gnomAD compares: African/African-American, 0.011%; no homozygotes.

Submission:

Labcorp Genetics (formerly Invitae), Labcorp
Classification: Uncertain significance. Last evaluated: 2022-08-19. Review status: criteria provided, single submitter. Criteria: Invitae Variant Classification Sherloc (09022015). Collection method: clinical testing. Allele origin: germline.
Comment: This variant is present in population databases (rs376511287, gnomAD 0.01%). This sequence change replaces alanine, which is neutral and non-polar, with glycine, which is neutral and non-polar, at codon 2922 of the FAT4 protein (p.Ala2922Gly). This variant has not been reported in the literature in individuals affected with FAT4-related conditions. In summary, the available evidence is currently insufficient to determine the role of this variant in disease. Therefore, it has been classified as a Variant of Uncertain Significance. Advanced modeling of protein sequence and biophysical properties (such as structural, functional, and spatial information, amino acid conservation, physicochemical variation, residue mobility, and thermodynamic stability) performed at Invitae indicates that this missense variant is not expected to disrupt FAT4 protein function.

NM_001291303.3(FAT4):c.8771C>G (p.Ala2924Gly)

Gene: FAT4 (FAT atypical cadherin 4; plus strand). Cytogenetic location: 4q28.1.
Variant type: single nucleotide variant.
Coding change: c.8771C>G on transcript NM_001291303.3 (MANE Select); coding-DNA position 8771, C replaced by G.
Protein change: p.Ala2924Gly; replaces alanine 2924 with glycine.
Molecular consequence: missense variant.
Genome position (GRCh38, 1-based): chr4:125,449,781, C>G. VCF-style: chr4-125449781-C-G. GRCh37 (hg19) VCF-style: chr4-126370936-C-G.
Other names: c.8771C>G, p.Ala2924Gly (NM_001291285.3); c.8765C>G, p.Ala2922Gly (NM_024582.6); short protein forms A2922G, A2924G.
Identifiers: ClinVar variation 1928632 (VCV001928632.5), dbSNP rs376511287, ClinGen allele CA3073422.